The following is an entry in ClinVar:

ClinVar aggregate classification (germline): Uncertain significance (1 of 4 stars; one submission).

Submission:

Laboratory for Molecular Medicine, Mass General Brigham Personalized Medicine
Classification: Uncertain significance. Last evaluated: 2011-10-07. Review status: criteria provided, single submitter. Criteria: LMM Criteria. Collection method: clinical testing. Allele origin: germline. Observed: 1 variant allele.
Comment: Variant classified as Uncertain Significance - Favor Benign. The Gln3029Pro vari ant in CDH23 has not been reported in the literature nor previously identified b y our laboratory. Computational analyses (biochemical amino acid properties, hom ology, PolyPhen2, SIFT, AlignGVGD) do not provide strong support for or against pathogenicity. In the absence of additional information, such as identification of a second CDH23 variant in this individual, control data, segregation studies or functional analysis, the clinical significance of this variant cannot be dete rmined at this time.

NM_022124.6(CDH23):c.9086A>C (p.Gln3029Pro)

Gene: CDH23 (cadherin related 23; plus strand). Cytogenetic location: 10q22.1.
Variant type: single nucleotide variant.
Coding change: c.9086A>C on transcript NM_022124.6 (MANE Select); coding-DNA position 9086, A replaced by C.
Protein change: p.Gln3029Pro; replaces glutamine 3029 with proline.
Molecular consequence: missense variant.
Genome position (GRCh38, 1-based): chr10:71,811,323, A>C. VCF-style: chr10-71811323-A-C. GRCh37 (hg19) VCF-style: chr10-73571080-A-C.
Other names: c.2366A>C, p.Gln789Pro (NM_001171933.1, NM_001171934.1); short protein forms Q3029P, Q789P.
Identifiers: ClinVar variation 46069 (VCV000046069.4), dbSNP rs397517365, ClinGen allele CA137631.